The following is an entry in ClinVar:

ClinVar aggregate classification (germline): Likely pathogenic. Review status: criteria provided, multiple submitters, no conflicts (2 of 4 stars). 2 submissions from 2 submitters: Likely pathogenic (2). Last evaluated 2022-02-12.

Conditions:
Pituitary adenoma 5, multiple types. Identifiers: MedGen C4539685, MONDO:0054601, OMIM 617540.

Allele frequency attached by ClinVar (database versions not stated): gnomAD exomes below 0.00001.
gnomAD v4.1: 1 of 1,611,622 alleles (0.000062%); highest among the groups gnomAD compares: Non-Finnish European, 0.000085%; no homozygotes.

Submissions (2):

Baylor Genetics
Classification: Likely pathogenic for Pituitary adenoma 5, multiple types. Last evaluated: 2022-02-12. Review status: criteria provided, single submitter. Criteria: ACMG Guidelines, 2015. Collection method: clinical testing. Allele origin: unknown.

Labcorp Genetics (formerly Invitae), Labcorp
Classification: Likely pathogenic. Last evaluated: 2020-02-21. Review status: criteria provided, single submitter. Criteria: Invitae Variant Classification Sherloc (09022015). Collection method: clinical testing. Allele origin: germline.
Comment: This variant is not present in population databases (ExAC no frequency). This sequence change affects an acceptor splice site in intron 17 of the CDH23 gene. It is expected to disrupt RNA splicing and likely results in an absent or disrupted protein product. This variant has not been reported in the literature in individuals with CDH23-related conditions. In summary, the currently available evidence indicates that the variant is pathogenic, but additional data are needed to prove that conclusively. Therefore, this variant has been classified as Likely Pathogenic. Donor and acceptor splice site variants typically lead to a loss of protein function (PMID: 16199547), and loss-of-function variants in CDH23 are known to be pathogenic (PMID: 11138009, 21940737). Algorithms developed to predict the effect of sequence changes on RNA splicing suggest that this variant may disrupt the consensus splice site, but this prediction has not been confirmed by published transcriptional studies.

Literature cited by the submitters: PubMed 16199547 (cited by Labcorp Genetics (formerly Invitae), Labcorp); PubMed 11138009 (cited by Labcorp Genetics (formerly Invitae), Labcorp); PubMed 21940737 (cited by Labcorp Genetics (formerly Invitae), Labcorp).

NM_022124.6(CDH23):c.1859-1G>T

Gene: CDH23 (cadherin related 23; plus strand). Cytogenetic location: 10q22.1.
Variant type: single nucleotide variant.
Coding change: c.1859-1G>T on transcript NM_022124.6 (MANE Select); the canonical splice acceptor site of the intron before coding-DNA position 1859, G replaced by T.
Molecular consequence: splice acceptor variant.
Genome position (GRCh38, 1-based): chr10:71,682,444, G>T. VCF-style: chr10-71682444-G-T. GRCh37 (hg19) VCF-style: chr10-73442201-G-T.
Other names: c.1859-1G>T (NM_001171930.2, NM_001171931.2).
Identifiers: ClinVar variation 1065914 (VCV001065914.9), dbSNP rs1274105133, ClinGen allele CA377132088.